The following is an entry in ClinVar:

ClinVar aggregate classification (germline): Pathogenic. Review status: criteria provided, multiple submitters, no conflicts (2 of 4 stars). 2 submissions from 2 submitters: Pathogenic (2). Last evaluated 2018-03-20.

Conditions:
Complex neurodevelopmental disorder. Identifiers: Orphanet 528084, MedGen C5568766, MONDO:0100038.
Inborn genetic diseases. Identifiers: MedGen C0950123, MeSH D030342.

Submissions (2):

Ambry Genetics
Classification: Pathogenic for Inborn genetic diseases. Last evaluated: 2018-03-20. Review status: criteria provided, single submitter. Criteria: Ambry Variant Classification Scheme 2023. Collection method: clinical testing. Allele origin: germline.
Comment: The c.386+2T>C intronic pathogenic mutation results from a T to C substitution two nucleotides after coding exon 2 in the SCN2A gene. De novo occurrence of this mutation has also been reported in an individual with moderate intellectual disability, episodic ataxia, and autism spectrum disorder (Wolff M et al. Brain, 2017 May;140:1316-1336). This nucleotide position is in the known U12-type splice donor site in SCN2A and highly conserved in available vertebrate species. This alteration is expected to cause aberrant splicing, resulting in an abnormal protein or a transcript that is subject to nonsense-mediated mRNA decay. As such, this alteration is classified as a disease-causing mutation.

GeneDx
Classification: Pathogenic. Last evaluated: 2015-11-01. Review status: criteria provided, single submitter. Criteria: GeneDx Variant Classification (06012015). Collection method: clinical testing. Allele origin: germline. Affected: yes.
Comment: The c.386+2T>C pathogenic variant in the SCN2A gene has not been reported previously as a pathogenic variant nor as a benign variant, to our knowledge. This splice site variant destroys the canonical splice donor site in intron 3. It is predicted to cause abnormal gene splicing, either leading to an abnormal message that is subject to nonsense-mediated mRNA decay, or to an abnormal protein product if the message is used for protein translation. The c.386+2T>C variant was not observed in approximately 6,500 individuals of European and African American ancestry in the NHLBI Exome Sequencing Project, indicating it is not a common benign variant in these populations. We interpret c.386+2T>C as a pathogenic variant

Literature cited by the submitters: PubMed 28379373 (cited by Ambry Genetics).

NM_001040142.2(SCN2A):c.386+2T>C

Gene: SCN2A (sodium voltage-gated channel alpha subunit 2; plus strand). Cytogenetic location: 2q24.3.
Variant type: single nucleotide variant.
Coding change: c.386+2T>C on transcript NM_001040142.2 (MANE Select); the canonical splice donor site of the intron after coding-DNA position 386, T replaced by C.
Molecular consequence: splice donor variant.
Genome position (GRCh38, 1-based): chr2:165,297,137, T>C. VCF-style: chr2-165297137-T-C. GRCh37 (hg19) VCF-style: chr2-166153647-T-C.
Other names: c.386+2T>C (NM_001040143.2, NM_001371246.1, NM_001371247.1 and 1 more transcripts).
Identifiers: ClinVar variation 449290 (VCV000449290.6), dbSNP rs1553564400, ClinGen allele CA349012077.